The following is an entry in ClinVar:

NM_153460.4(IL17RC):c.365A>C (p.Gln122Pro)

Gene: IL17RC (interleukin 17 receptor C; plus strand). Cytogenetic location: 3p25.3.
Variant type: single nucleotide variant.
Coding change: c.365A>C on transcript NM_153460.4 (MANE Select); coding-DNA position 365, A replaced by C.
Protein change: p.Gln122Pro; replaces glutamine 122 with proline.
Molecular consequence: missense variant. On other transcripts: non-coding transcript variant (1).
Genome position (GRCh38, 1-based): chr3:9,918,509, A>C. VCF-style: chr3-9918509-A-C. GRCh37 (hg19) VCF-style: chr3-9960193-A-C.
Other names: c.365A>C, p.Gln122Pro (NM_001203263.2, NM_001203264.2, NM_001203265.2 and 4 more transcripts); c.290A>C, p.Gln97Pro (NM_001367279.1); c.578A>C, p.Gln193Pro (NM_153461.4); short protein forms Q122P, Q193P, Q97P.
Identifiers: ClinVar variation 4731832 (VCV004731832.1).
Genomic context (GRCh38, chr3:9,918,509, plus strand): 5'-GCCTGGCCTGCCGCTCCTGGGCCTGACTGACCCCTGCCCTGTTGCCCACAGCCTCTCTCC[A>C]GGCCCAAGTCGTGCTCTCCTTCCAGGCCTACCCTACTGCCCGCTGCGTCCTGCTGGAGGT-3'
Protein context (NP_703190.2, residues 112-132): GVEEPRNASL[Gln122Pro]AQVVLSFQAY

ClinVar aggregate classification (germline): Uncertain significance (1 of 4 stars; one submission).

Conditions:
Candidiasis, familial, 9 (CANDF9). Identifiers: Orphanet 1334, MedGen C4225324, MONDO:0014642, OMIM 616445.

gnomAD v4.1: 1 of 1,614,074 alleles (0.000062%); highest among the groups gnomAD compares: Non-Finnish European, 0.000085%; no homozygotes.

Submission:

Labcorp Genetics (formerly Invitae), Labcorp
Classification: Uncertain significance for Candidiasis, familial, 9. Last evaluated: 2025-12-01. Review status: criteria provided, single submitter. Criteria: Invitae Variant Classification Sherloc (09022015). Collection method: clinical testing. Allele origin: germline.
Comment: This sequence change replaces glutamine, which is neutral and polar, with proline, which is neutral and non-polar, at codon 193 of the IL17RC protein (p.Gln193Pro). This variant is not present in population databases (gnomAD no frequency). This variant has not been reported in the literature in individuals affected with IL17RC-related conditions. An algorithm developed to predict the effect of missense changes on protein structure and function (PolyPhen-2) suggests that this variant is likely to be disruptive. In summary, the available evidence is currently insufficient to determine the role of this variant in disease. Therefore, it has been classified as a Variant of Uncertain Significance.